The following is an entry in ClinVar:

NM_000440.3(PDE6A):c.830T>C (p.Val277Ala)

Gene: PDE6A (phosphodiesterase 6A; minus strand). Cytogenetic location: 5q32.
Variant type: single nucleotide variant.
Coding change: c.830T>C on transcript NM_000440.3 (MANE Select); coding-DNA position 830, T replaced by C.
Protein change: p.Val277Ala; replaces valine 277 with alanine.
Molecular consequence: missense variant.
Genome position (GRCh38, 1-based): chr5:149,931,056, A>G on the plus strand (T>C on the coding strand, the complement: PDE6A is on the minus strand). VCF-style: chr5-149931056-A-G. GRCh37 (hg19) VCF-style: chr5-149310619-A-G.
Other names: short protein forms V277A.
Identifiers: ClinVar variation 351994 (VCV000351994.14), dbSNP rs145608358, ClinGen allele CA3504937.

ClinVar aggregate classification (germline): Conflicting classifications of pathogenicity. Review status: criteria provided, conflicting classifications (1 of 4 stars). 4 submissions from 4 submitters: Uncertain significance (1); Benign (1); Likely benign (2). Last evaluated 2026-01-12.

Conditions:
PDE6A-related disorder. Also called: PDE6A-related condition.
Retinitis pigmentosa (RP). Identifiers: Orphanet 791, MedGen C0035334, MeSH D012174, MONDO:0019200, OMIM 268000. Inheritance: Autosomal dominant, autosomal recessive and X linked inheritance.

Allele frequency attached by ClinVar (database versions not stated): ESP Exome Variant Server 0.00008; gnomAD 0.00009; gnomAD exomes 0.00010 and 0.00023; TOPMed 0.00011; ExAC 0.00012.
gnomAD v4.1: 166 of 1,614,076 alleles (0.01%); highest among the groups gnomAD compares: Non-Finnish European, 0.0011%; 1 homozygote.

Submissions (4):

Labcorp Genetics (formerly Invitae), Labcorp
Classification: Likely benign. Last evaluated: 2026-01-12. Review status: criteria provided, single submitter. Criteria: Invitae Variant Classification Sherloc (09022015). Collection method: clinical testing. Allele origin: germline.

PreventionGenetics, part of Exact Sciences
Classification: Likely benign for PDE6A-related condition. Last evaluated: 2024-10-29. Review status: criteria provided, single submitter. Criteria: ACMG Guidelines, 2015. Collection method: clinical testing. Allele origin: germline.
Comment: This variant is classified as likely benign based on ACMG/AMP sequence variant interpretation guidelines (Richards et al. 2015 PMID: 25741868, with internal and published modifications).

Blueprint Genetics
Classification: Benign. Last evaluated: 2019-11-13. Review status: criteria provided, single submitter. Criteria: ACMG Guidelines, 2015. Collection method: clinical testing. Allele origin: germline.

Illumina Laboratory Services, Illumina
Classification: Uncertain significance for Retinitis pigmentosa. Last evaluated: 2018-01-13. Review status: criteria provided, single submitter. Criteria: ICSL Variant Classification Criteria 13 December 2019. Collection method: clinical testing. Allele origin: germline.